The following is an entry in ClinVar:

NM_172364.5(CACNA2D4):c.3212C>T (p.Ala1071Val)

Gene: CACNA2D4 (calcium voltage-gated channel auxiliary subunit alpha2delta 4; minus strand). Cytogenetic location: 12p13.33.
Variant type: single nucleotide variant.
Coding change: c.3212C>T on transcript NM_172364.5 (MANE Select); coding-DNA position 3212, C replaced by T.
Protein change: p.Ala1071Val; replaces alanine 1071 with valine.
Molecular consequence: missense variant.
Genome position (GRCh38, 1-based): chr12:1,795,682, G>A on the plus strand (C>T on the coding strand, the complement: CACNA2D4 is on the minus strand). VCF-style: chr12-1795682-G-A. GRCh37 (hg19) VCF-style: chr12-1904848-G-A.
Other names: short protein forms A1071V.
Identifiers: ClinVar variation 855372 (VCV000855372.10), dbSNP rs1863099095, ClinGen allele CA383348189.

ClinVar aggregate classification (germline): Uncertain significance. Review status: criteria provided, multiple submitters, no conflicts (2 of 4 stars). 2 submissions from 2 submitters: Uncertain significance (2). Last evaluated 2023-09-19.

Allele frequency attached by ClinVar (database versions not stated): gnomAD exomes below 0.00001.
gnomAD v4.1: 5 of 1,609,156 alleles (0.00031%); highest among the groups gnomAD compares: Non-Finnish European, 0.00043%; no homozygotes.

Submissions (2):

Labcorp Genetics (formerly Invitae), Labcorp
Classification: Uncertain significance. Last evaluated: 2023-09-19. Review status: criteria provided, single submitter. Criteria: Invitae Variant Classification Sherloc (09022015). Collection method: clinical testing. Allele origin: germline.
Comment: This variant has not been reported in the literature in individuals affected with CACNA2D4-related conditions. ClinVar contains an entry for this variant (Variation ID: 855372). An algorithm developed to predict the effect of missense changes on protein structure and function (PolyPhen-2) suggests that this variant is likely to be tolerated. Algorithms developed to predict the effect of sequence changes on RNA splicing suggest that this variant may disrupt the consensus splice site. In summary, the available evidence is currently insufficient to determine the role of this variant in disease. Therefore, it has been classified as a Variant of Uncertain Significance. This sequence change replaces alanine, which is neutral and non-polar, with valine, which is neutral and non-polar, at codon 1071 of the CACNA2D4 protein (p.Ala1071Val). This variant is not present in population databases (gnomAD no frequency).

Blueprint Genetics
Classification: Uncertain significance. Last evaluated: 2023-02-28. Review status: criteria provided, single submitter. Criteria: ACMG Guidelines, 2015. Collection method: clinical testing. Allele origin: germline.